The following is an entry in ClinVar:

ClinVar aggregate classification (germline): Uncertain significance (1 of 4 stars; one submission).

Conditions:
PGM1-congenital disorder of glycosylation. Also called: PHOSPHOGLUCOMUTASE 1 DEFICIENCY; PGM1 DEFICIENCY; GLYCOGEN STORAGE DISEASE XIV; GSD XIV; CDG It; Congenital disorder of glycosylation type 1t. Identifiers: Orphanet 319646, MedGen C2752015, MONDO:0013968, OMIM 614921.

Allele frequency attached by ClinVar (database versions not stated): gnomAD exomes below 0.00001.
gnomAD v4.1: 1 of 1,614,038 alleles (0.000062%); highest among the groups gnomAD compares: African/African-American, 0.0013%; no homozygotes.

Submission:

Labcorp Genetics (formerly Invitae), Labcorp
Classification: Uncertain significance for PGM1-congenital disorder of glycosylation. Last evaluated: 2022-02-06. Review status: criteria provided, single submitter. Criteria: Invitae Variant Classification Sherloc (09022015). Collection method: clinical testing. Allele origin: germline.
Comment: This sequence change replaces alanine, which is neutral and non-polar, with glycine, which is neutral and non-polar, at codon 340 of the PGM1 protein (p.Ala340Gly). This variant is not present in population databases (gnomAD no frequency). This variant has not been reported in the literature in individuals affected with PGM1-related conditions. Algorithms developed to predict the effect of missense changes on protein structure and function (SIFT, PolyPhen-2, Align-GVGD) all suggest that this variant is likely to be disruptive. In summary, the available evidence is currently insufficient to determine the role of this variant in disease. Therefore, it has been classified as a Variant of Uncertain Significance.

NM_002633.3(PGM1):c.1019C>G (p.Ala340Gly)

Gene: PGM1 (phosphoglucomutase 1; plus strand). Cytogenetic location: 1p31.3.
Variant type: single nucleotide variant.
Coding change: c.1019C>G on transcript NM_002633.3 (MANE Select); coding-DNA position 1019, C replaced by G.
Protein change: p.Ala340Gly; replaces alanine 340 with glycine.
Molecular consequence: missense variant.
Genome position (GRCh38, 1-based): chr1:63,636,379, C>G. VCF-style: chr1-63636379-C-G. GRCh37 (hg19) VCF-style: chr1-64102050-C-G.
Other names: c.1073C>G, p.Ala358Gly (NM_001172818.1); c.428C>G, p.Ala143Gly (NM_001172819.2); short protein forms A143G, A358G, A340G.
Identifiers: ClinVar variation 2094063 (VCV002094063.4), dbSNP rs2523896255, ClinGen allele CA340636243.
Genomic context (GRCh38, chr1:63,636,379, plus strand): 5'-TTCCGTATTTCCAGCAGACTGGGGTCCGCGGCTTTGCACGGAGCATGCCCACGAGTGGTG[C>G]TCTGGACCGGTAGGTGTCTCCATTCCCTTGGCCTTCCTGTCTTAGGTCGTCCCAGTCTTC-3'
Protein context (NP_002624.2, residues 330-350): GFARSMPTSG[Ala340Gly]LDRVASATKI